The following is an entry in ClinVar:

ClinVar aggregate classification (germline): Uncertain significance (1 of 4 stars; one submission).

Conditions:
Pulmonary fibrosis and/or bone marrow failure, Telomere-related, 3. Also called: PULMONARY FIBROSIS AND/OR BONE MARROW FAILURE SYNDROME, TELOMERE-RELATED, 3. Identifiers: Orphanet 2032, MedGen C4225346, MONDO:0014613, OMIM 616373.
Dyskeratosis congenita, autosomal recessive 5 (DKCB5). Identifiers: MedGen C3554656, MONDO:0014076, OMIM 615190.

Allele frequency attached by ClinVar (database versions not stated): ExAC 0.00001; gnomAD 0.00001; TOPMed 0.00001.
gnomAD v4.1: 10 of 1,611,220 alleles (0.00062%); highest among the groups gnomAD compares: Non-Finnish European, 0.00068%; no homozygotes.

Submission:

Labcorp Genetics (formerly Invitae), Labcorp
Classification: Uncertain significance for Dyskeratosis congenita, autosomal recessive 5; Pulmonary fibrosis and/or bone marrow failure, Telomere-related, 3. Last evaluated: 2024-08-05. Review status: criteria provided, single submitter. Criteria: Invitae Variant Classification Sherloc (09022015). Collection method: clinical testing. Allele origin: germline.
Comment: This sequence change replaces leucine, which is neutral and non-polar, with phenylalanine, which is neutral and non-polar, at codon 1273 of the RTEL1 protein (p.Leu1273Phe). This variant is present in population databases (rs767311114, gnomAD 0.002%). This variant has not been reported in the literature in individuals affected with RTEL1-related conditions. ClinVar contains an entry for this variant (Variation ID: 2056835). An algorithm developed to predict the effect of missense changes on protein structure and function (PolyPhen-2) suggests that this variant is likely to be tolerated. In summary, the available evidence is currently insufficient to determine the role of this variant in disease. Therefore, it has been classified as a Variant of Uncertain Significance.

NM_001283009.2(RTEL1):c.3817C>T (p.Leu1273Phe)

Genes: RTEL1 (regulator of telomere elongation helicase 1; plus strand), RTEL1-TNFRSF6B (RTEL1-TNFRSF6B readthrough (NMD candidate); plus strand). Cytogenetic location: 20q13.33.
Variant type: single nucleotide variant.
Coding change: c.3817C>T on transcript NM_001283009.2 (MANE Select); coding-DNA position 3817, C replaced by T.
Protein change: p.Leu1273Phe; replaces leucine 1273 with phenylalanine.
Molecular consequence: missense variant. On other transcripts: non-coding transcript variant (1), intron variant (3).
Genome position (GRCh38, 1-based): chr20:63,695,645, C>T. VCF-style: chr20-63695645-C-T. GRCh37 (hg19) VCF-style: chr20-62326998-C-T.
Other names: c.2984-133C>T (NM_001283010.1); c.3725-133C>T (NM_032957.5); c.3653-133C>T (NM_016434.4); short protein forms L1273F.
Identifiers: ClinVar variation 2056835 (VCV002056835.3), dbSNP rs767311114, ClinGen allele CA9966191.